The following is an entry in ClinVar:

NM_001005373.4(LRSAM1):c.814C>T (p.Arg272Trp)

Gene: LRSAM1 (leucine rich repeat and sterile alpha motif containing 1; plus strand). Cytogenetic location: 9q33.3.
Variant type: single nucleotide variant.
Coding change: c.814C>T on transcript NM_001005373.4 (MANE Select); coding-DNA position 814, C replaced by T.
Protein change: p.Arg272Trp; replaces arginine 272 with tryptophan.
Molecular consequence: missense variant. On other transcripts: non-coding transcript variant (2).
Genome position (GRCh38, 1-based): chr9:127,479,416, C>T. VCF-style: chr9-127479416-C-T. GRCh37 (hg19) VCF-style: chr9-130241695-C-T.
Other names: p.Arg272Trp; c.814C>T (NM_138361.4); c.814C>T, p.Arg272Trp (NM_001005374.4, NM_001190723.3, NM_001384142.1 and 2 more transcripts); c.25C>T, p.Arg9Trp (NM_001384144.1); short protein forms R272W, R9W.
Identifiers: ClinVar variation 696742 (VCV000696742.19), dbSNP rs149456922, ClinGen allele CA5246715.

ClinVar aggregate classification (germline): Conflicting classifications of pathogenicity. Review status: criteria provided, conflicting classifications (1 of 4 stars). 7 submissions from 7 submitters: Uncertain significance (5); Likely benign (2). Last evaluated 2025-12-23.

Conditions:
Inborn genetic diseases. Identifiers: MedGen C0950123, MeSH D030342.
Charcot-Marie-Tooth disease. Also called: Charcot-Marie-Tooth Hereditary Neuropathy; Charcot-Marie-Tooth Neuropathy. Identifiers: Orphanet 166, MedGen C0007959, MONDO:0015626.
LRSAM1-related disorder. Also called: LRSAM1-related condition.
Charcot-Marie-Tooth disease axonal type 2P. Also called: Charcot-Marie-Tooth Neuropathy Type 2G; CHARCOT-MARIE-TOOTH NEUROPATHY, TYPE 2P; CHARCOT-MARIE-TOOTH DISEASE, AXONAL, TYPE 2G; CMT 2G. Identifiers: Orphanet 300319, Orphanet 99941, MedGen C3280797, MONDO:0013753, OMIM 614436.

Allele frequency attached by ClinVar (database versions not stated): gnomAD exomes 0.00012 and 0.00022; ExAC 0.00023; 1000 Genomes Project 0.00060; gnomAD 0.00061 and 0.00063; 1000 Genomes Project 30x 0.00062; TOPMed 0.00070; ESP Exome Variant Server 0.00123.
gnomAD v4.1: 270 of 1,614,174 alleles (0.017%); highest among the groups gnomAD compares: African/African-American, 0.2%; 2 homozygotes.

Submissions (7):

Labcorp Genetics (formerly Invitae), Labcorp
Classification: Likely benign for Charcot-Marie-Tooth disease axonal type 2P. Last evaluated: 2025-12-23. Review status: criteria provided, single submitter. Criteria: Invitae Variant Classification Sherloc (09022015). Collection method: clinical testing. Allele origin: germline.

GeneDx
Classification: Uncertain significance. Last evaluated: 2025-07-22. Review status: criteria provided, single submitter. Criteria: GeneDx Variant Classification Process June 2021. Collection method: clinical testing. Allele origin: germline. Affected: yes.
Comment: Previously reported in an individual with features consistent with Charcot-Marie-Tooth disease; however additional clinical and segregation information were not provided (PMID: 32376792); In silico analysis supports that this missense variant has a deleterious effect on protein structure/function; This variant is associated with the following publications: (PMID: 32376792)

PreventionGenetics, part of Exact Sciences
Classification: Likely benign for LRSAM1-related condition. Last evaluated: 2025-04-24. Review status: criteria provided, single submitter. Criteria: ACMG Guidelines, 2015. Collection method: clinical testing. Allele origin: germline.
Comment: This variant is classified as likely benign based on ACMG/AMP sequence variant interpretation guidelines (Richards et al. 2015 PMID: 25741868, with internal and published modifications).

Mayo Clinic Laboratories, Mayo Clinic
Classification: Uncertain significance. Last evaluated: 2025-01-31. Review status: criteria provided, single submitter. Criteria: ACMG Guidelines, 2015. Collection method: clinical testing. Allele origin: germline. Observed: 1 variant allele.
Comment: BS1

Ambry Genetics
Classification: Uncertain significance for Inborn genetic diseases. Last evaluated: 2022-06-07. Review status: criteria provided, single submitter. Criteria: Ambry Variant Classification Scheme 2023. Collection method: clinical testing. Allele origin: germline.
Comment: Unlikely to be causative of autosomal dominant Charcot-Marie-Tooth disease, type 2P (CMT2P) Based on insufficient or conflicting evidence, the clinical significance of this alteration remains unclear.

Blueprint Genetics
Classification: Uncertain significance. Last evaluated: 2021-12-30. Review status: criteria provided, single submitter. Criteria: ACMG Guidelines, 2015. Collection method: clinical testing. Allele origin: germline.

Molecular Genetics Laboratory, London Health Sciences Centre
Classification: Uncertain significance for Charcot-Marie-Tooth disease. Review status: criteria provided, single submitter. Criteria: ACMG Guidelines, 2015. Collection method: clinical testing. Allele origin: germline. Affected: yes.

Literature cited by the submitters: PubMed 32376792 (cited by Mayo Clinic Laboratories, Mayo Clinic).